The following is an entry in ClinVar:

NM_004415.4(DSP):c.829C>T (p.Gln277Ter)

Gene: DSP (desmoplakin; plus strand). Cytogenetic location: 6p24.3.
Variant type: single nucleotide variant.
Coding change: c.829C>T on transcript NM_004415.4 (MANE Select); coding-DNA position 829, C replaced by T.
Protein change: p.Gln277Ter; replaces glutamine 277 with a stop codon.
Molecular consequence: nonsense.
Genome position (GRCh38, 1-based): chr6:7,565,410, C>T. VCF-style: chr6-7565410-C-T. GRCh37 (hg19) VCF-style: chr6-7565643-C-T.
Other names: c.829C>T, p.Gln277Ter (NM_001008844.3, NM_001319034.2, NM_001406591.1); short protein forms Q277*.
Identifiers: ClinVar variation 2943617 (VCV002943617.3), dbSNP rs2533872220, ClinGen allele CA362674213.
Genomic context (GRCh38, chr6:7,565,410, plus strand): 5'-CCTGTGCAGAAAGCGTCCTTTGAGAGGATGGATCACCTGCGACAGCTGCAGAACATCATT[C>T]AGGCCACGTCCAGGGAGATCATGTGGATCAATGACTGCGAGGAGGAGGAGCTGCTGTACG-3'

ClinVar aggregate classification (germline): Pathogenic (1 of 4 stars; one submission).

Conditions:
Arrhythmogenic cardiomyopathy with wooly hair and keratoderma. Also called: Arrhythmogenic cardiomyopathy with woolly hair and keratoderma; PALMOPLANTAR KERATODERMA WITH LEFT VENTRICULAR CARDIOMYOPATHY AND WOOLLY HAIR; Carvajal syndrome; Dilated cardiomyopathy with woolly hair and keratoderma. Identifiers: Orphanet 65282, MedGen C1854063, MONDO:0011581, OMIM 605676.
Arrhythmogenic right ventricular dysplasia 8 (ARVD8). Also called: Arrhythmogenic Right Ventricular Dysplasia/Cardiomyopathy 8; ARRHYTHMOGENIC RIGHT VENTRICULAR DYSPLASIA, FAMILIAL, 8; ARRHYTHMOGENIC RIGHT VENTRICULAR CARDIOMYOPATHY 8. Identifiers: MedGen C1843896, MONDO:0011831, OMIM 607450.

Submission:

Labcorp Genetics (formerly Invitae), Labcorp
Classification: Pathogenic for Arrhythmogenic cardiomyopathy with wooly hair and keratoderma; Arrhythmogenic right ventricular dysplasia 8. Last evaluated: 2023-03-20. Review status: criteria provided, single submitter. Criteria: Invitae Variant Classification Sherloc (09022015). Collection method: clinical testing. Allele origin: germline.
Comment: For these reasons, this variant has been classified as Pathogenic. This variant has not been reported in the literature in individuals affected with DSP-related conditions. This variant is not present in population databases (gnomAD no frequency). This sequence change creates a premature translational stop signal (p.Gln277*) in the DSP gene. It is expected to result in an absent or disrupted protein product. Loss-of-function variants in DSP are known to be pathogenic (PMID: 20716751, 24503780, 25227139).

Literature cited by the submitters: PubMed 20716751; PubMed 24503780; PubMed 25227139.